The following is an entry in ClinVar:

ClinVar aggregate classification (germline): Uncertain significance. Review status: criteria provided, multiple submitters, no conflicts (2 of 4 stars). 2 submissions from 2 submitters: Uncertain significance (2). Last evaluated 2024-12-12.

Allele frequency attached by ClinVar (database versions not stated): ExAC 0.00002; gnomAD exomes 0.00003 and 0.00007; gnomAD 0.00004 and 0.00005; TOPMed 0.00006; ESP Exome Variant Server 0.00015.
gnomAD v4.1: 119 of 1,613,468 alleles (0.0074%); highest among the groups gnomAD compares: Non-Finnish European, 0.0093%; no homozygotes.

Submissions (2):

Labcorp Genetics (formerly Invitae), Labcorp
Classification: Uncertain significance. Last evaluated: 2024-12-12. Review status: criteria provided, single submitter. Criteria: Invitae Variant Classification Sherloc (09022015). Collection method: clinical testing. Allele origin: germline.
Comment: This sequence change replaces isoleucine, which is neutral and non-polar, with phenylalanine, which is neutral and non-polar, at codon 187 of the SLC7A9 protein (p.Ile187Phe). This variant is present in population databases (rs368441237, gnomAD 0.006%). This missense change has been observed in individuals with clinical features of cystinuria (PMID: 11157794, 25109415; internal data). This variant is also known as c.744A>T. ClinVar contains an entry for this variant (Variation ID: 639224). Invitae Evidence Modeling of protein sequence and biophysical properties (such as structural, functional, and spatial information, amino acid conservation, physicochemical variation, residue mobility, and thermodynamic stability) indicates that this missense variant is not expected to disrupt SLC7A9 protein function with a negative predictive value of 80%. In summary, the available evidence is currently insufficient to determine the role of this variant in disease. Therefore, it has been classified as a Variant of Uncertain Significance.

GeneDx
Classification: Uncertain significance. Last evaluated: 2020-11-12. Review status: criteria provided, single submitter. Criteria: GeneDx Variant Classification Process June 2021. Collection method: clinical testing. Allele origin: germline. Affected: yes.
Comment: In silico analysis supports that this missense variant does not alter protein structure/function; Identified in patients in cystinuria, however information about additional SLC7A9 variants and segregation is not provided (Font et al., 2001; Wong et al., 2015); This variant is associated with the following publications: (PMID: 11157794, 28812535, 25109415)

Literature cited by the submitters: PubMed 11157794 (cited by Labcorp Genetics (formerly Invitae), Labcorp); PubMed 25109415 (cited by Labcorp Genetics (formerly Invitae), Labcorp).

NM_014270.5(SLC7A9):c.559A>T (p.Ile187Phe)

Gene: SLC7A9 (solute carrier family 7 member 9; minus strand). Cytogenetic location: 19q13.11.
Variant type: single nucleotide variant.
Coding change: c.559A>T on transcript NM_014270.5 (MANE Select); coding-DNA position 559, A replaced by T.
Protein change: p.Ile187Phe; replaces isoleucine 187 with phenylalanine.
Molecular consequence: missense variant.
Genome position (GRCh38, 1-based): chr19:32,862,506, T>A on the plus strand (A>T on the coding strand, the complement: SLC7A9 is on the minus strand). VCF-style: chr19-32862506-T-A. GRCh37 (hg19) VCF-style: chr19-33353412-T-A.
Other names: c.559A>T, p.Ile187Phe (NM_001126335.2, NM_001243036.2); short protein forms I187F.
Identifiers: ClinVar variation 639224 (VCV000639224.11), dbSNP rs368441237, ClinGen allele CA9358787.